The following is an entry in ClinVar:

ClinVar aggregate classification (germline): Pathogenic. Review status: reviewed by expert panel (3 of 4 stars). 8 submissions from 8 submitters: Pathogenic (1). 7 of the submissions do not count toward it. Last evaluated 2016-09-08.

Conditions:
Hereditary breast ovarian cancer syndrome. Also called: Hereditary breast and ovarian cancer syndrome; Hereditary breast and ovarian cancer; Hereditary breast and ovarian cancer syndrome (HBOC); Breast and ovarian cancer; Hereditary breast and/or ovarian cancer syndrome; BRCA1- and BRCA2-Associated Hereditary Breast and Ovarian Cancer. Identifiers: Orphanet 145, MedGen C0677776, MeSH D061325, MONDO:0003582. Disease mechanism: loss of function.
Breast-ovarian cancer, familial, susceptibility to, 2 (BROVCA2). Also called: BRCA2 Hereditary Breast and Ovarian Cancer. Identifiers: Orphanet 145, MedGen C2675520, MONDO:0012933, OMIM 612555. Disease mechanism: loss of function.

Submissions (8):

Evidence-based Network for the Interpretation of Germline Mutant Alleles (ENIGMA)
Classification: Pathogenic for Breast-ovarian cancer, familial, susceptibility to, 2. Last evaluated: 2016-09-08. Review status: reviewed by expert panel. Criteria: ENIGMA BRCA1/2 Classification Criteria (2015). Collection method: curation. Allele origin: germline.
Comment: Variant allele predicted to encode a truncated non-functional protein.

Center for Genomic Medicine, Rigshospitalet, Copenhagen University Hospital
Classification: Pathogenic. Last evaluated: 2025-03-04. Review status: criteria provided, single submitter. Criteria: ACMG Guidelines, 2015. Collection method: clinical testing. Allele origin: germline. Not counted in ClinVar's aggregate classification.

Clinical Genetics Laboratory, Skane University Hospital Lund
Classification: Pathogenic. Last evaluated: 2022-10-26. Review status: criteria provided, single submitter. Criteria: ACMG Guidelines, 2015. Collection method: clinical testing. Allele origin: germline. Affected: yes. Not counted in ClinVar's aggregate classification.

Labcorp Genetics (formerly Invitae), Labcorp
Classification: Pathogenic for Hereditary breast ovarian cancer syndrome. Last evaluated: 2021-07-13. Review status: criteria provided, single submitter. Criteria: Invitae Variant Classification Sherloc (09022015). Collection method: clinical testing. Allele origin: germline. Not counted in ClinVar's aggregate classification.
Comment: This sequence change creates a premature translational stop signal (p.Thr3137Leufs*26) in the BRCA2 gene. It is expected to result in an absent or disrupted protein product. Loss-of-function variants in BRCA2 are known to be pathogenic (PMID: 20104584). This variant is not present in population databases (ExAC no frequency). This variant has been observed in individual(s) with breast cancer (PMID: 9150154). This variant is also known as 9636delT. ClinVar contains an entry for this variant (Variation ID: 52832). For these reasons, this variant has been classified as Pathogenic.

Consortium of Investigators of Modifiers of BRCA1/2 (CIMBA), c/o University of Cambridge
Classification: Pathogenic for Breast-ovarian cancer, familial, susceptibility to, 2. Last evaluated: 2015-10-02. Review status: criteria provided, single submitter. Criteria: CIMBA Mutation Classification guidelines May 2016. Collection method: clinical testing. Allele origin: germline. Not counted in ClinVar's aggregate classification.

Clinical Genetics and Genomics, Karolinska University Hospital
Classification: Pathogenic. Last evaluated: 2015-04-21. Review status: criteria provided, single submitter. Criteria: ACMG Guidelines, 2015. Collection method: clinical testing. Allele origin: germline. Affected: yes. Observed: 3 variant alleles. Not counted in ClinVar's aggregate classification.

BRCAlab, Lund University
Classification: Pathogenic for Breast-ovarian cancer, familial, susceptibility to, 2. Last evaluated: 2022-08-26. Review status: no assertion criteria provided. Collection method: clinical testing. Allele origin: germline. Affected: yes. Not counted in ClinVar's aggregate classification.

Breast Cancer Information Core (BIC) (BRCA2)
Classification: Pathogenic for Breast-ovarian cancer, familial 2. Last evaluated: 1997-11-13. Review status: no assertion criteria provided. Collection method: clinical testing. Allele origin: germline. Affected: yes. Observed: 1 variant allele. Not counted in ClinVar's aggregate classification.

Literature cited by the submitters: PubMed 20104584 (cited by Labcorp Genetics (formerly Invitae), Labcorp); PubMed 9150154 (cited by Labcorp Genetics (formerly Invitae), Labcorp).

NM_000059.4(BRCA2):c.9408del (p.Thr3137fs)

Gene: BRCA2 (BRCA2 DNA repair associated; plus strand). Cytogenetic location: 13q13.1.
Variant type: Deletion.
Coding change: c.9408del on transcript NM_000059.4 (MANE Select); coding-DNA position 9408, one base deleted (T; older notation c.9408delT).
Protein change: p.Thr3137fs; shifts the reading frame from threonine 3137.
Molecular consequence: frameshift variant.
Genome position (GRCh38, 1-based): chr13:32,394,840, T deleted; the last of 2 consecutive T bases (chr13:32,394,839-32,394,840); deleting either gives the same sequence. VCF-style (leftmost placement, unchanged base first): chr13-32394838-CT-C. GRCh37 (hg19) VCF-style: chr13-32968975-CT-C.
Other names: 9636delT; c.9408delT (NM_000059.3).
Identifiers: ClinVar variation 52832 (VCV000052832.36), dbSNP rs80359761, ClinGen allele CA026145.
Genomic context (GRCh38, chr13:32,394,838, plus strand): 5'-CCTCATATGTTAATTGCTGCAAGCAACCTCCAGTGGCGACCAGAATCCAAATCAGGCCTT[CT>C]TACTTTATTTGCTGGAGATTTTTCTGTGTTTTCTGCTAGTCCAAAAGAGGGCCACTTTCA-3'